The following is an entry in ClinVar:

NM_004341.5(CAD):c.1993T>G (p.Cys665Gly)

Gene: CAD (carbamoyl-phosphate synthetase 2, aspartate transcarbamylase, and dihydroorotase; plus strand). Cytogenetic location: 2p23.3.
Variant type: single nucleotide variant.
Coding change: c.1993T>G on transcript NM_004341.5 (MANE Select); coding-DNA position 1993, T replaced by G.
Protein change: p.Cys665Gly; replaces cysteine 665 with glycine.
Molecular consequence: missense variant. On other transcripts: intron variant (1).
Genome position (GRCh38, 1-based): chr2:27,226,281, T>G. VCF-style: chr2-27226281-T-G. GRCh37 (hg19) VCF-style: chr2-27449149-T-G.
Other names: c.1843-244T>G (NM_001306079.2); short protein forms C665G.
Identifiers: ClinVar variation 1498373 (VCV001498373.6), dbSNP rs2148066840, ClinGen allele CA346207115.

ClinVar aggregate classification (germline): Uncertain significance (1 of 4 stars; one submission).

Submission:

Labcorp Genetics (formerly Invitae), Labcorp
Classification: Uncertain significance. Last evaluated: 2024-02-23. Review status: criteria provided, single submitter. Criteria: Invitae Variant Classification Sherloc (09022015). Collection method: clinical testing. Allele origin: germline.
Comment: This sequence change replaces cysteine, which is neutral and slightly polar, with glycine, which is neutral and non-polar, at codon 665 of the CAD protein (p.Cys665Gly). This variant is not present in population databases (gnomAD no frequency). This variant has not been reported in the literature in individuals affected with CAD-related conditions. ClinVar contains an entry for this variant (Variation ID: 1498373). Advanced modeling of protein sequence and biophysical properties (such as structural, functional, and spatial information, amino acid conservation, physicochemical variation, residue mobility, and thermodynamic stability) performed at Invitae indicates that this missense variant is expected to disrupt CAD protein function with a positive predictive value of 80%. In summary, the available evidence is currently insufficient to determine the role of this variant in disease. Therefore, it has been classified as a Variant of Uncertain Significance.